The following is an entry in ClinVar:

ClinVar aggregate classification (germline): Uncertain significance (1 of 4 stars; one submission).

Conditions:
Kleefstra syndrome 1 (KLEFS1). Identifiers: Orphanet 261494, MedGen C0795833, MONDO:0027407, OMIM 610253.

Submission:

Labcorp Genetics (formerly Invitae), Labcorp
Classification: Uncertain significance for Kleefstra syndrome 1. Last evaluated: 2021-09-01. Review status: criteria provided, single submitter. Criteria: Invitae Variant Classification Sherloc (09022015). Collection method: clinical testing. Allele origin: germline.
Comment: In summary, the available evidence is currently insufficient to determine the role of this variant in disease. Therefore, it has been classified as a Variant of Uncertain Significance. Algorithms developed to predict the effect of missense changes on protein structure and function (SIFT, PolyPhen-2, Align-GVGD) all suggest that this variant is likely to be tolerated. This variant has not been reported in the literature in individuals affected with EHMT1-related conditions. This variant is not present in population databases (ExAC no frequency). This sequence change replaces lysine with asparagine at codon 929 of the EHMT1 protein (p.Lys929Asn). The lysine residue is moderately conserved and there is a moderate physicochemical difference between lysine and asparagine.

NM_024757.5(EHMT1):c.2787G>C (p.Lys929Asn)

Gene: EHMT1 (euchromatic histone lysine methyltransferase 1; plus strand). Cytogenetic location: 9q34.3.
Variant type: single nucleotide variant.
Coding change: c.2787G>C on transcript NM_024757.5 (MANE Select); coding-DNA position 2787, G replaced by C.
Protein change: p.Lys929Asn; replaces lysine 929 with asparagine.
Molecular consequence: missense variant.
Genome position (GRCh38, 1-based): chr9:137,811,535, G>C. VCF-style: chr9-137811535-G-C. GRCh37 (hg19) VCF-style: chr9-140705987-G-C.
Other names: c.2766G>C, p.Lys922Asn (NM_001354263.2); short protein forms K922N, K929N.
Identifiers: ClinVar variation 1041608 (VCV001041608.7), dbSNP rs1954482984, ClinGen allele CA375791569.